The following is an entry in ClinVar:

ClinVar aggregate classification (germline): Uncertain significance (1 of 4 stars; one submission).

Submission:

Labcorp Genetics (formerly Invitae), Labcorp
Classification: Uncertain significance. Last evaluated: 2025-12-21. Review status: criteria provided, single submitter. Criteria: Invitae Variant Classification Sherloc (09022015). Collection method: clinical testing. Allele origin: germline.
Comment: This sequence change replaces glutamic acid, which is acidic and polar, with aspartic acid, which is acidic and polar, at codon 26 of the MYH3 protein (p.Glu26Asp). This variant is not present in population databases (gnomAD no frequency). This variant has not been reported in the literature in individuals affected with MYH3-related conditions. Invitae Evidence Modeling of protein sequence and biophysical properties (such as structural, functional, and spatial information, amino acid conservation, physicochemical variation, residue mobility, and thermodynamic stability) indicates that this missense variant is not expected to disrupt MYH3 protein function with a negative predictive value of 95%. In summary, the available evidence is currently insufficient to determine the role of this variant in disease. Therefore, it has been classified as a Variant of Uncertain Significance.

NM_002470.4(MYH3):c.78G>C (p.Glu26Asp)

Gene: MYH3 (myosin heavy chain 3; minus strand). Cytogenetic location: 17p13.1.
Variant type: single nucleotide variant.
Coding change: c.78G>C on transcript NM_002470.4 (MANE Select); coding-DNA position 78, G replaced by C.
Protein change: p.Glu26Asp; replaces glutamic acid 26 with aspartic acid.
Molecular consequence: missense variant.
Genome position (GRCh38, 1-based): chr17:10,654,987, C>G on the plus strand (G>C on the coding strand, the complement: MYH3 is on the minus strand). VCF-style: chr17-10654987-C-G. GRCh37 (hg19) VCF-style: chr17-10558304-C-G.
Other names: short protein forms E26D.
Identifiers: ClinVar variation 4800688 (VCV004800688.1).
Genomic context (GRCh38, chr17:10,654,987, plus strand): 5'-TTCTTCCTTTGAGTCCACCACGAAGCAATACGTCTTGGCATCAAAGGGCTGGTTCTGAGC[C>G]TCGATCCTCTCCTTTTCTGACTTCCGGAGGAAAGGAGCAGCTATGCCGAACACTTCCATT-3'
Protein context (NP_002461.2, residues 16-36): FLRKSEKERI[Glu26Asp]AQNQPFDAKT